The following is an entry in ClinVar:

ClinVar aggregate classification (germline): Conflicting classifications of pathogenicity. Review status: criteria provided, conflicting classifications (1 of 4 stars). 6 submissions from 6 submitters: Pathogenic (2); Likely pathogenic (2); Uncertain significance (1). 1 of the submissions does not count toward it. Last evaluated 2024-10-10.

Conditions:
Charcot-Marie-Tooth disease axonal type 2F (CMT2F). Also called: CHARCOT-MARIE-TOOTH DISEASE, NEURONAL, TYPE 2F; Charcot-Marie-Tooth Neuropathy Type 2F. Identifiers: Orphanet 99940, MedGen C1847823, MONDO:0011687, OMIM 606595.
Neuronopathy, distal hereditary motor, type 2B. Also called: HMN IIB; NEURONOPATHY, DISTAL HEREDITARY MOTOR, AUTOSOMAL DOMINANT 3; NEURONOPATHY, DISTAL HEREDITARY MOTOR, HARDING TYPE IIB; NEUROPATHY, DISTAL HEREDITARY MOTOR, HARDING TYPE IIB. Identifiers: Orphanet 139525, MedGen C2608087, MONDO:0012080, OMIM 608634.
HSPB1-related disorder. Also called: HSPB1-related disorders; HSPB1-related condition.

Submissions (6):

Labcorp Genetics (formerly Invitae), Labcorp
Classification: Pathogenic for Charcot-Marie-Tooth disease axonal type 2F. Last evaluated: 2024-10-10. Review status: criteria provided, single submitter. Criteria: Invitae Variant Classification Sherloc (09022015). Collection method: clinical testing. Allele origin: germline.
Comment: This sequence change creates a premature translational stop signal (p.Ala61Argfs*100) in the HSPB1 gene. While this is not anticipated to result in nonsense mediated decay, it is expected to disrupt the last 145 amino acid(s) of the HSPB1 protein. The frequency data for this variant in the population databases is considered unreliable, as metrics indicate poor data quality at this position in the gnomAD database. This premature translational stop signal has been observed in individual(s) with autosomal dominant distal hereditary motor neuropathy (PMID: 28144995). ClinVar contains an entry for this variant (Variation ID: 423339). This variant is located in a region of the HSPB1 protein where a significant number of HSPB1 nonsense and frameshift mutations have been reported in association with autosomal dominant HSPB1-related neuropathies (PMID: 22734906, 28144995, 33686258). For these reasons, this variant has been classified as Pathogenic.

Revvity Omics, Revvity
Classification: Pathogenic. Last evaluated: 2021-11-30. Review status: criteria provided, single submitter. Criteria: ACMG Guidelines, 2015. Collection method: clinical testing. Allele origin: germline.

Blueprint Genetics
Classification: Uncertain significance. Last evaluated: 2019-12-23. Review status: criteria provided, single submitter. Criteria: ACMG Guidelines, 2015. Collection method: clinical testing. Allele origin: germline.

GeneDx
Classification: Likely pathogenic. Last evaluated: 2018-07-18. Review status: criteria provided, single submitter. Criteria: GeneDx Variant Classification (06012015). Collection method: clinical testing. Allele origin: germline. Affected: yes.
Comment: The c.180dupC variant in the HSPB1 gene causes a frameshift starting with codon Alanine 61, changes this amino acid to an Arginine residue and creates a premature Stop codon at position 100 of the new reading frame, denoted p.Ala61ArgfsX100. This variant is predicted to cause loss of normal protein function through protein truncation, as the last 145 amino acids of the HSPB1 protein are lost and replaced with 99 incorrect amino acids. Multiple variants are noted in the last 145 amino acid residues of the HSPB1 protein in the Human Gene Mutation Database in association with HSPB1-related disorders (Stenson et al., 2014), supporting the functional importance of this region of the protein. Therefore, this variant is likely pathogenic; however, the possibility that it is benign cannot be excluded.

Biochimie - Maladies Neurologiques Hereditaires, Hospices Civils de Lyon
Classification: Likely pathogenic for Neuronopathy, distal hereditary motor, type 2B. Last evaluated: 2017-02-02. Review status: criteria provided, single submitter. Criteria: ACMG Guidelines, 2015. Collection method: clinical testing. Allele origin: inherited. Affected: yes.
Comment: Article ID: HUMU23189

PreventionGenetics, part of Exact Sciences
Classification: Likely pathogenic for HSPB1-related condition. Last evaluated: 2024-04-09. Review status: no assertion criteria provided. Collection method: clinical testing. Allele origin: germline. Not counted in ClinVar's aggregate classification.
Comment: The HSPB1 c.180dupC variant is predicted to result in a frameshift and premature protein termination (p.Ala61Argfs*100). This variant has been reported in an individual with distal hereditary motor neuropathy (dHMN); and the functional analysis did not show expression of the protein upon HSPB1 staining in HeLa cells (F13 in Table 1 of Echaniz-Laguna et al. 2017. PubMed ID: 28144995). This variant is reported in 0.0040% of alleles in individuals of South Asian descent in gnomAD. Frameshift variants in HSPB1 are expected to be pathogenic. This variant is interpreted as likely pathogenic.

Literature cited by the submitters: PubMed 28144995 (cited by Labcorp Genetics (formerly Invitae), Labcorp); PubMed 22734906 (cited by Labcorp Genetics (formerly Invitae), Labcorp); PubMed 33686258 (cited by Labcorp Genetics (formerly Invitae), Labcorp).

NM_001540.5(HSPB1):c.180dup (p.Ala61fs)

Gene: HSPB1 (heat shock protein family B (small) member 1; plus strand). Cytogenetic location: 7q11.23.
Variant type: Duplication.
Coding change: c.180dup on transcript NM_001540.5 (MANE Select); coding-DNA position 180, one base duplicated (C; older notation c.180dupC).
Protein change: p.Ala61fs; shifts the reading frame from alanine 61.
Molecular consequence: frameshift variant.
Genome position (GRCh38, 1-based): chr7:76,302,892, C duplicated; the last of 6 consecutive C bases (chr7:76,302,887-76,302,892); duplicating any one gives the same sequence. VCF-style (leftmost placement, unchanged base first): chr7-76302886-G-GC. GRCh37 (hg19) VCF-style: chr7-75932203-G-GC.
Other names: c.180dup (LRG_248t1); short protein forms A61fs.
Identifiers: ClinVar variation 423339 (VCV000423339.16), dbSNP rs1064796370, ClinGen allele CA16618560.